The following is an entry in ClinVar:

ClinVar aggregate classification (germline): Pathogenic/Likely pathogenic. Review status: criteria provided, multiple submitters, no conflicts (2 of 4 stars). 7 submissions from 7 submitters: Pathogenic (3); Likely pathogenic (3). 1 of the submissions does not count toward it. Last evaluated 2025-10-26.

Conditions:
Retinal dystrophy. Also called: Inherited retinal dystrophy. Identifiers: Orphanet 71862, MedGen C0854723, MeSH D058499, MONDO:0019118, HP:0000556.
ABCC6-related disorder. Also called: ABCC6-related condition.
Autosomal recessive inherited pseudoxanthoma elasticum (PXE). Identifiers: Orphanet 758, MedGen CN032334, MONDO:0009925, OMIM 264800.
Pseudoxanthoma elasticum, forme fruste. Also called: Pseudoxanthoma Elasticum, Incomplete; PSEUDOXANTHOMA ELASTICUM, HETEROZYGOUS. Identifiers: Orphanet 758, MedGen C1867450, MONDO:0008333, OMIM 177850.
Arterial calcification, generalized, of infancy, 2. Identifiers: Orphanet 51608, MedGen C3276161, MONDO:0013768, OMIM 614473.

Allele frequency attached by ClinVar (database versions not stated): ESP Exome Variant Server 0.00008; gnomAD exomes 0.00002 and 0.00004; gnomAD 0.00003; TOPMed 0.00003; ExAC 0.00004.
gnomAD v4.1: 36 of 1,612,758 alleles (0.0022%); highest among the groups gnomAD compares: South Asian, 0.0099%; no homozygotes.

Submissions (7):

Labcorp Genetics (formerly Invitae), Labcorp
Classification: Pathogenic. Last evaluated: 2025-10-26. Review status: criteria provided, single submitter. Criteria: Invitae Variant Classification Sherloc (09022015). Collection method: clinical testing. Allele origin: germline.
Comment: This sequence change replaces glycine, which is neutral and non-polar, with arginine, which is basic and polar, at codon 755 of the ABCC6 protein (p.Gly755Arg). This variant is present in population databases (rs72653787, gnomAD 0.01%). This missense change has been observed in individuals with pseudoxanthoma elasticum (PMID: 17617515, 27133371, 34906475; internal data). ClinVar contains an entry for this variant (Variation ID: 433267). Invitae Evidence Modeling of protein sequence and biophysical properties (such as structural, functional, and spatial information, amino acid conservation, physicochemical variation, residue mobility, and thermodynamic stability) indicates that this missense variant is expected to disrupt ABCC6 protein function with a positive predictive value of 95%. Experimental studies have shown that this missense change affects ABCC6 function (PMID: 27994049, 30154241). For these reasons, this variant has been classified as Pathogenic.

CeGaT Center for Human Genetics Tuebingen
Classification: Pathogenic. Last evaluated: 2024-10-01. Review status: criteria provided, single submitter. Criteria: CeGaT Center For Human Genetics Tuebingen Variant Classification Criteria Version 2. Collection method: clinical testing. Allele origin: germline. Affected: yes. Observed: 1 variant allele.
Comment: ABCC6: PM3:Very Strong, PM2, PM5:Supporting, PS3:Supporting

Fulgent Genetics
Classification: Likely pathogenic for Pseudoxanthoma elasticum, forme fruste; Autosomal recessive inherited pseudoxanthoma elasticum; Arterial calcification, generalized, of infancy, 2. Last evaluated: 2024-04-24. Review status: criteria provided, single submitter. Criteria: ACMG Guidelines, 2015. Collection method: clinical testing. Allele origin: germline.

Genomic Medicine Center of Excellence, King Faisal Specialist Hospital and Research Centre
Classification: Likely pathogenic for Autosomal recessive inherited pseudoxanthoma elasticum. Last evaluated: 2024-04-04. Review status: criteria provided, single submitter. Criteria: ACMG Guidelines, 2015. Collection method: clinical testing. Allele origin: germline.

Blueprint Genetics
Classification: Likely pathogenic for ABCC6-related disorders. Last evaluated: 2023-12-13. Review status: criteria provided, single submitter. Criteria: ACMG Guidelines, 2015. Collection method: clinical testing. Allele origin: germline. Affected: yes. Observed: 3 variant alleles.

Institute of Human Genetics, Univ. Regensburg, Univ. Regensburg
Classification: Pathogenic for Retinal dystrophy. Last evaluated: 2021-01-01. Review status: criteria provided, single submitter. Criteria: ACMG Guidelines, 2015. Collection method: clinical testing. Allele origin: germline. Affected: yes.

PXE International
Classification: Pathogenic for Autosomal recessive inherited pseudoxanthoma elasticum. Last evaluated: 2021-03-01. Review status: no assertion criteria provided. Collection method: research. Allele origin: germline. Inheritance: Autosomal recessive inheritance. Affected: yes. Observed: 5 variant alleles. Clinical features observed: Papule (HP:0200034), Skin plaque (HP:0200035), Intermittent claudication (HP:0004417), Angioid streaks (HP:0001102), Weak or absent arterial pulse, Vascular surgery, Abnormally lax or hyperextensible skin (HP:0008067), Retinal hemorrhage (HP:0000573), Angina pectoris (HP:0001681), Abnormal EKG (HP:0003115). Not counted in ClinVar's aggregate classification.

Literature cited by the submitters: PubMed 17617515 (cited by Labcorp Genetics (formerly Invitae), Labcorp and Institute of Human Genetics, Univ. Regensburg, Univ. Regensburg); PubMed 27133371 (cited by Labcorp Genetics (formerly Invitae), Labcorp); PubMed 34906475 (cited by Labcorp Genetics (formerly Invitae), Labcorp and Institute of Human Genetics, Univ. Regensburg, Univ. Regensburg); PubMed 27994049 (cited by Labcorp Genetics (formerly Invitae), Labcorp and Institute of Human Genetics, Univ. Regensburg, Univ. Regensburg); PubMed 30154241 (cited by Labcorp Genetics (formerly Invitae), Labcorp and Institute of Human Genetics, Univ. Regensburg, Univ. Regensburg); PubMed 31589614 (cited by Institute of Human Genetics, Univ. Regensburg, Univ. Regensburg); PubMed 34205333 (cited by Institute of Human Genetics, Univ. Regensburg, Univ. Regensburg); PubMed 33726816 (cited by Institute of Human Genetics, Univ. Regensburg, Univ. Regensburg); PubMed 32873932 (cited by Institute of Human Genetics, Univ. Regensburg, Univ. Regensburg and PXE International).

NM_001171.6(ABCC6):c.2263G>A (p.Gly755Arg)

Gene: ABCC6 (ATP binding cassette subfamily C member 6; minus strand). Cytogenetic location: 16p13.11.
Variant type: single nucleotide variant.
Coding change: c.2263G>A on transcript NM_001171.6 (MANE Select); coding-DNA position 2263, G replaced by A.
Protein change: p.Gly755Arg; replaces glycine 755 with arginine.
Molecular consequence: missense variant. On other transcripts: non-coding transcript variant (1).
Genome position (GRCh38, 1-based): chr16:16,178,950, C>T on the plus strand (G>A on the coding strand, the complement: ABCC6 is on the minus strand). VCF-style: chr16-16178950-C-T. GRCh37 (hg19) VCF-style: chr16-16272807-C-T.
Other names: c.1921G>A, p.Gly641Arg (NM_001351800.1); short protein forms G755R, G641R.
Identifiers: ClinVar variation 433267 (VCV000433267.25), dbSNP rs72653787, ClinGen allele CA7925966.
Genomic context (GRCh38, chr16:16,178,950, plus strand): 5'-GGTACACAGCTGCCTTTCTGTATACAGCCCGGGCCAGGCTCAGCCGCTGCTTCTGGCCTC[C>T]GGAGAGATTCATGCCCTGTGGCCACAAAAGGAACAGTGGCCTGAGTCAGCATCTACAGGG-3'
Protein context (NP_001162.5, residues 745-765): SIGEQGMNLS[Gly755Arg]GQKQRLSLAR